The following is an entry in ClinVar:

ClinVar aggregate classification (germline): Uncertain significance (1 of 4 stars; one submission).

Allele frequency attached by ClinVar (database versions not stated): TOPMed below 0.00001; ExAC 0.00001; gnomAD 0.00001.

Submission:

GeneDx
Classification: Uncertain significance. Last evaluated: 2022-03-03. Review status: criteria provided, single submitter. Criteria: GeneDx Variant Classification Process June 2021. Collection method: clinical testing. Allele origin: germline. Affected: yes.
Comment: In silico analysis supports that this missense variant has a deleterious effect on protein structure/function; Has not been previously published as pathogenic or benign to our knowledge

NM_014112.5(TRPS1):c.80G>A (p.Ser27Asn)

Gene: TRPS1 (transcriptional repressor GATA binding 1; minus strand). Cytogenetic location: 8q23.3.
Variant type: single nucleotide variant.
Coding change: c.80G>A on transcript NM_014112.5 (MANE Select); coding-DNA position 80, G replaced by A.
Protein change: p.Ser27Asn; replaces serine 27 with asparagine.
Molecular consequence: missense variant.
Genome position (GRCh38, 1-based): chr8:115,620,018, C>T on the plus strand (G>A on the coding strand, the complement: TRPS1 is on the minus strand). VCF-style: chr8-115620018-C-T. GRCh37 (hg19) VCF-style: chr8-116632245-C-T.
Other names: c.53G>A, p.Ser18Asn (NM_001282902.3); c.59G>A, p.Ser20Asn (NM_001282903.3); c.41G>A, p.Ser14Asn (NM_001330599.2); short protein forms S14N, S18N, S20N, S27N.
Identifiers: ClinVar variation 1704199 (VCV001704199.2), dbSNP rs781358945, ClinGen allele CA4852058.